The following is an entry in ClinVar:

NM_001458.5(FLNC):c.6248A>C (p.Lys2083Thr)

Genes: FLNC (filamin C; plus strand), FLNC-AS1 (FLNC antisense RNA 1; minus strand). Cytogenetic location: 7q32.1.
Variant type: single nucleotide variant.
Coding change: c.6248A>C on transcript NM_001458.5 (MANE Select); coding-DNA position 6248, A replaced by C.
Protein change: p.Lys2083Thr; replaces lysine 2083 with threonine.
Molecular consequence: missense variant.
Genome position (GRCh38, 1-based): chr7:128,853,508, A>C. VCF-style: chr7-128853508-A-C. GRCh37 (hg19) VCF-style: chr7-128493562-A-C.
Other names: c.6149A>C, p.Lys2050Thr (NM_001127487.2); short protein forms K2083T, K2050T.
Identifiers: ClinVar variation 1345078 (VCV001345078.6), dbSNP rs2128939092, ClinGen allele CA369211898.

ClinVar aggregate classification (germline): Uncertain significance (1 of 4 stars; one submission).

Conditions:
Myofibrillar myopathy 5. Also called: Filaminopathy (type); FILAMINOPATHY, AUTOSOMAL DOMINANT. Identifiers: Orphanet 171445, MedGen C1836050, MONDO:0012289, OMIM 609524.
Distal myopathy with posterior leg and anterior hand involvement. Also called: WILLIAMS DISTAL MYOPATHY. Identifiers: Orphanet 63273, MedGen C3279722, MONDO:0013550, OMIM 614065.
Hypertrophic cardiomyopathy 26. Also called: Cardiomyopathy, familial hypertrophic, 26. Identifiers: Orphanet 75249, MedGen C4310749, MONDO:0014883, OMIM 617047.

Submission:

Labcorp Genetics (formerly Invitae), Labcorp
Classification: Uncertain significance for Distal myopathy with posterior leg and anterior hand involvement; Myofibrillar myopathy 5; Hypertrophic cardiomyopathy 26. Last evaluated: 2021-10-16. Review status: criteria provided, single submitter. Criteria: Invitae Variant Classification Sherloc (09022015). Collection method: clinical testing. Allele origin: germline.
Comment: In summary, the available evidence is currently insufficient to determine the role of this variant in disease. Therefore, it has been classified as a Variant of Uncertain Significance. Algorithms developed to predict the effect of missense changes on protein structure and function (SIFT, PolyPhen-2, Align-GVGD) all suggest that this variant is likely to be disruptive. This variant has not been reported in the literature in individuals affected with FLNC-related conditions. This variant is not present in population databases (ExAC no frequency). This sequence change replaces lysine with threonine at codon 2083 of the FLNC protein (p.Lys2083Thr). The lysine residue is highly conserved and there is a moderate physicochemical difference between lysine and threonine.